The following is an entry in ClinVar:

ClinVar aggregate classification (germline): Uncertain significance (1 of 4 stars; one submission).

Submission:

GeneDx
Classification: Uncertain significance. Last evaluated: 2024-12-18. Review status: criteria provided, single submitter. Criteria: GeneDx Variant Classification Process June 2021. Collection method: clinical testing. Allele origin: germline.
Comment: Not observed at significant frequency in large population cohorts (gnomAD); In silico analysis supports a deleterious effect on protein structure/function; Has not been previously published as pathogenic or benign to our knowledge

NM_002474.3(MYH11):c.2470_2472delinsACT (p.Ala824Thr)

Gene: MYH11 (myosin heavy chain 11; minus strand). Cytogenetic location: 16p13.11.
Variant type: Indel.
Coding change: c.2470_2472delinsACT on transcript NM_002474.3 (MANE Select); coding-DNA positions 2470 to 2472, GCC replaced by ACT.
Protein change: p.Ala824Thr; replaces alanine 824 with threonine.
Molecular consequence: missense variant.
Genome position (GRCh38, 1-based): chr16:15,745,177-15,745,179, GGC replaced by AGT on the plus strand (GCC replaced by ACT on the coding strand, the reverse complement: MYH11 is on the minus strand). VCF-style: chr16-15745177-GGC-AGT. GRCh37 (hg19) VCF-style: chr16-15839034-GGC-AGT.
Other names: c.2491_2493delinsACT, p.Ala831Thr (NM_001040113.2, NM_001040114.2); c.2470_2472delinsACT, p.Ala824Thr (NM_022844.3); short protein forms A824T, A831T.
Identifiers: ClinVar variation 3361847 (VCV003361847.2).